The following is an entry in ClinVar:

NM_019032.6(ADAMTSL4):c.1707dup (p.Leu570fs)

Genes: ADAMTSL4 (ADAMTS like 4; plus strand), ADAMTSL4-AS2 (ADAMTSL4 antisense RNA 2; minus strand). Cytogenetic location: 1q21.2.
Variant type: Duplication.
Coding change: c.1707dup on transcript NM_019032.6 (MANE Select); coding-DNA position 1707, one base duplicated (T; older notation c.1707dupT).
Protein change: p.Leu570fs; shifts the reading frame from leucine 570.
Molecular consequence: frameshift variant.
Genome position (GRCh38, 1-based): chr1:150,556,751, T duplicated. VCF-style (leftmost placement, unchanged base first): chr1-150556750-G-GT. GRCh37 (hg19) VCF-style: chr1-150529226-G-GT.
Other names: c.1776dup, p.Leu593fs (NM_001288607.2, NM_001288608.2); c.1707dup, p.Leu570fs (NM_001378596.1, NM_025008.5); short protein forms L570fs, L593fs.
Identifiers: ClinVar variation 2825885 (VCV002825885.3), dbSNP rs2526710679, ClinGen allele CA2739275266.

ClinVar aggregate classification (germline): Pathogenic (1 of 4 stars; one submission).

Submission:

Labcorp Genetics (formerly Invitae), Labcorp
Classification: Pathogenic. Last evaluated: 2023-01-01. Review status: criteria provided, single submitter. Criteria: Invitae Variant Classification Sherloc (09022015). Collection method: clinical testing. Allele origin: germline.
Comment: For these reasons, this variant has been classified as Pathogenic. This variant has not been reported in the literature in individuals affected with ADAMTSL4-related conditions. This variant is not present in population databases (gnomAD no frequency). This sequence change creates a premature translational stop signal (p.Leu570Serfs*4) in the ADAMTSL4 gene. It is expected to result in an absent or disrupted protein product. Loss-of-function variants in ADAMTSL4 are known to be pathogenic (PMID: 20564469, 28642162).

Literature cited by the submitters: PubMed 20564469; PubMed 28642162.